The following is an entry in ClinVar:

ClinVar aggregate classification (germline): Uncertain significance. Review status: criteria provided, multiple submitters, no conflicts (2 of 4 stars). 2 submissions from 2 submitters: Uncertain significance (2). Last evaluated 2025-05-05.

gnomAD v4.1: 4 of 1,614,092 alleles (0.00025%); highest among the groups gnomAD compares: Admixed American, 0.0017%; no homozygotes.

Submissions (2):

Labcorp Genetics (formerly Invitae), Labcorp
Classification: Uncertain significance. Last evaluated: 2025-05-05. Review status: criteria provided, single submitter. Criteria: Invitae Variant Classification Sherloc (09022015). Collection method: clinical testing. Allele origin: germline.
Comment: This sequence change replaces tryptophan, which is neutral and slightly polar, with glycine, which is neutral and non-polar, at codon 274 of the ASRGL1 protein (p.Trp274Gly). This variant is present in population databases (no rsID available, gnomAD 0.1%). This variant has not been reported in the literature in individuals affected with ASRGL1-related conditions. ClinVar contains an entry for this variant (Variation ID: 1487286). An algorithm developed to predict the effect of missense changes on protein structure and function (PolyPhen-2) suggests that this variant is likely to be disruptive. In summary, the available evidence is currently insufficient to determine the role of this variant in disease. Therefore, it has been classified as a Variant of Uncertain Significance.

Ambry Genetics
Classification: Uncertain significance. Last evaluated: 2025-02-08. Review status: criteria provided, single submitter. Criteria: Ambry Variant Classification Scheme 2023. Collection method: clinical testing. Allele origin: germline.

NM_001083926.2(ASRGL1):c.820T>G (p.Trp274Gly)

Gene: ASRGL1 (asparaginase and isoaspartyl peptidase 1; plus strand). Cytogenetic location: 11q12.3.
Variant type: single nucleotide variant.
Coding change: c.820T>G on transcript NM_001083926.2 (MANE Select); coding-DNA position 820, T replaced by G.
Protein change: p.Trp274Gly; replaces tryptophan 274 with glycine.
Molecular consequence: missense variant.
Genome position (GRCh38, 1-based): chr11:62,392,177, T>G. VCF-style: chr11-62392177-T-G. GRCh37 (hg19) VCF-style: chr11-62159649-T-G.
Other names: c.820T>G (NM_001083926.1); c.820T>G, p.Trp274Gly (NM_025080.4); short protein forms W274G.
Identifiers: ClinVar variation 1487286 (VCV001487286.7), dbSNP rs1478758215, ClinGen allele CA380871743.